The following is an entry in ClinVar:

NM_007294.4(BRCA1):c.1158_1159del (p.Ser387fs)

Gene: BRCA1 (BRCA1 DNA repair associated; minus strand). Cytogenetic location: 17q21.31.
Variant type: Deletion.
Coding change: c.1158_1159del on transcript NM_007294.4 (MANE Select); coding-DNA positions 1158 to 1159, 2 bases deleted (TT; older notation c.1158_1159delTT).
Protein change: p.Ser387fs; shifts the reading frame from serine 387.
Molecular consequence: frameshift variant. On other transcripts: intron variant (137).
Genome position (GRCh38, 1-based): chr17:43,094,372-43,094,373, AA deleted on the plus strand (TT on the coding strand, the reverse complement: BRCA1 is on the minus strand); deleting any 2 consecutive bases within chr17:43,094,372-43,094,375 gives the same sequence; the c. name uses the placement nearest the transcript's 3' end. VCF-style (leftmost placement, unchanged base first): chr17-43094371-GAA-G. GRCh37 (hg19) VCF-style: chr17-41246388-GAA-G.
Other names: c.1158_1159delTT (NM_007294.3); c.454+371_454+372del (NM_001408502.1); c.577+371_577+372del (NM_001408489.1, NM_001408479.1, NM_001408482.1 and 9 more transcripts); c.661+371_661+372del (NM_001408445.1, NM_001408432.1, NM_001408450.1 and 6 more transcripts); c.667+1473_667+1474del (NM_001408431.1, NM_001408424.1, NM_001408421.1); c.784+371_784+372del (NM_001408407.1, NM_001408402.1, NM_001408473.1 and 13 more transcripts); c.664+371_664+372del (NM_001408443.1, NM_001408439.1, NM_001408425.1 and 12 more transcripts); c.670+1473_670+1474del (NM_001408419.1, NM_001408422.1, NM_001408418.1 and 2 more transcripts); and 41 more; short protein forms S387fs, S340fs, S219fs, S259fs, S299fs, S317fs, S276fs, S298fs.
Identifiers: ClinVar variation 54149 (VCV000054149.3), dbSNP rs397508842, ClinGen allele CA000764.
Genomic context (GRCh38, chr17:43,094,371, plus strand): 5'-GCATTTGATTCAGACTCCCCATCATGTGAGTCATCAGAACCTAACAGTTCATCACTTCTG[GAA>G]AACCACTCATTAACTTTCTGAATGCTGCTATTTAGTGTTATCCAAGGAACATCTTCAGTA-3'

ClinVar aggregate classification (germline): Pathogenic. Review status: reviewed by expert panel (3 of 4 stars). 2 submissions from 2 submitters: Pathogenic (1). 1 of the submissions does not count toward it. Last evaluated 2017-12-15.

Conditions:
Breast-ovarian cancer, familial, susceptibility to, 1 (BROVCA1). Also called: OVARIAN CANCER, SUSCEPTIBILITY TO; BRCA1 Hereditary Breast and Ovarian Cancer. Identifiers: Orphanet 145, MedGen C2676676, MONDO:0011450, OMIM 604370. Disease mechanism: loss of function.
Familial cancer of breast. Also called: Hereditary breast cancer; hereditary breast carcinoma; BREAST CANCER, FAMILIAL. Identifiers: Orphanet 227535, MedGen C0346153, MONDO:0016419, OMIM 114480. Disease mechanism: loss of function.

Submissions (2):

Evidence-based Network for the Interpretation of Germline Mutant Alleles (ENIGMA)
Classification: Pathogenic for Breast-ovarian cancer, familial, susceptibility to, 1. Last evaluated: 2017-12-15. Review status: reviewed by expert panel. Criteria: ENIGMA BRCA1/2 Classification Criteria (2017-06-29). Collection method: curation. Allele origin: germline. Study: ENIGMA.
Comment: Variant allele predicted to encode a truncated non-functional protein.

ClinVar Staff, National Center for Biotechnology Information (NCBI)
No classification provided. Condition: Familial cancer of breast. Review status: no classification provided. Collection method: literature only. Allele origin: germline. Affected: yes. Not counted in ClinVar's aggregate classification.

Literature cited by the submitters: PubMed 11180604 (cited by ClinVar Staff, National Center for Biotechnology Information (NCBI)).